The following is an entry in ClinVar:

ClinVar aggregate classification (germline): Benign. Review status: criteria provided, single submitter (1 of 4 stars). 2 submissions from 2 submitters: Benign (1). 1 of the submissions does not count toward it. Last evaluated 2026-01-08.

Conditions:
FXYD2-related disorder. Also called: FXYD2-related condition.

Allele frequency attached by ClinVar (database versions not stated): gnomAD 0.00002; gnomAD exomes 0.00008 and 0.00019; TOPMed 0.00012; 1000 Genomes Project 0.00020; ExAC 0.00020; 1000 Genomes Project 30x 0.00031.
gnomAD v4.1: 53 of 1,609,046 alleles (0.0033%); highest among the groups gnomAD compares: Admixed American, 0.086%; no homozygotes.

Submissions (2):

Labcorp Genetics (formerly Invitae), Labcorp
Classification: Benign. Last evaluated: 2026-01-08. Review status: criteria provided, single submitter. Criteria: Invitae Variant Classification Sherloc (09022015). Collection method: clinical testing. Allele origin: germline.

PreventionGenetics, part of Exact Sciences
Classification: Likely benign for FXYD2-related condition. Last evaluated: 2023-08-15. Review status: no assertion criteria provided. Collection method: clinical testing. Allele origin: germline. Not counted in ClinVar's aggregate classification.
Comment: This variant is classified as likely benign based on ACMG/AMP sequence variant interpretation guidelines (Richards et al. 2015 PMID: 25741868, with internal and published modifications).

NM_001680.5(FXYD2):c.26-5C>T

Genes: FXYD2 (FXYD domain containing ion transport regulator 2; minus strand), FXYD6-FXYD2 (FXYD6-FXYD2 readthrough; minus strand). Cytogenetic location: 11q23.3.
Variant type: single nucleotide variant.
Coding change: c.26-5C>T on transcript NM_001680.5 (MANE Select); 5 bases into the intron before coding-DNA position 26, C replaced by T.
Molecular consequence: intron variant.
Genome position (GRCh38, 1-based): chr11:117,822,722, G>A on the plus strand (C>T on the coding strand, the complement: FXYD2 is on the minus strand). VCF-style: chr11-117822722-G-A. GRCh37 (hg19) VCF-style: chr11-117693437-G-A.
Other names: c.273-5C>T (NM_001243598.4); c.260-5C>T (NM_001204268.3); c.20-5C>T (NM_021603.4).
Identifiers: ClinVar variation 1598876 (VCV001598876.10), dbSNP rs182462094, ClinGen allele CA6297868.